The following is an entry in ClinVar:

ClinVar aggregate classification (germline): Benign/Likely benign. Review status: criteria provided, multiple submitters, no conflicts (2 of 4 stars). 2 submissions from 2 submitters: Benign (1); Likely benign (1). Last evaluated 2024-07-30.

Conditions:
Hereditary cancer-predisposing syndrome. Also called: Hereditary Cancer Syndrome; Hereditary neoplastic syndrome; Tumor predisposition; Neoplastic Syndromes, Hereditary. Identifiers: Orphanet 140162, MedGen C0027672, MeSH D009386, MONDO:0015356.
Familial cancer of breast. Also called: BREAST CANCER, FAMILIAL; Hereditary breast cancer; hereditary breast carcinoma. Identifiers: Orphanet 227535, MedGen C0346153, MONDO:0016419, OMIM 114480. Disease mechanism: loss of function.

Submissions (2):

Myriad Genetics, Inc.
Classification: Benign for Familial cancer of breast. Last evaluated: 2024-07-30. Review status: criteria provided, single submitter. Criteria: Myriad Autosomal Dominant, Autosomal Recessive and X-Linked Classification Criteria (2023). Collection method: clinical testing. Allele origin: unknown.
Comment: This variant is considered benign. This variant is a silent/synonymous amino acid change and it is not expected to impact splicing.

Ambry Genetics
Classification: Likely benign for Hereditary cancer-predisposing syndrome. Last evaluated: 2021-01-07. Review status: criteria provided, single submitter. Criteria: Ambry Variant Classification Scheme 2023. Collection method: clinical testing. Allele origin: germline.

NM_000465.4(BARD1):c.2283C>T (p.Ser761=)

Gene: BARD1 (BRCA1 associated RING domain 1; minus strand). Cytogenetic location: 2q35.
Variant type: single nucleotide variant.
Coding change: c.2283C>T on transcript NM_000465.4 (MANE Select); coding-DNA position 2283, C replaced by T.
Protein change: p.Ser761=; no amino-acid change (serine 761 retained).
Molecular consequence: synonymous variant. On other transcripts: non-coding transcript variant (3).
Genome position (GRCh38, 1-based): chr2:214,728,727, G>A on the plus strand (C>T on the coding strand, the complement: BARD1 is on the minus strand). VCF-style: chr2-214728727-G-A. GRCh37 (hg19) VCF-style: chr2-215593451-G-A.
Other names: c.2226C>T, p.Ser742= (NM_001282543.2); c.930C>T, p.Ser310= (NM_001282545.2); c.873C>T, p.Ser291= (NM_001282548.2); c.744C>T, p.Ser248= (NM_001282549.2).
Identifiers: ClinVar variation 1788972 (VCV001788972.3), dbSNP rs2105986338, ClinGen allele CA431392573.